The following is an entry in ClinVar:

ClinVar aggregate classification (germline): Benign (0 of 4 stars; one submission).

Conditions:
XIRP1-related disorder. Also called: XIRP1-related condition.

Allele frequency attached by ClinVar (database versions not stated): ExAC 0.00100; 1000 Genomes Project 0.00260; 1000 Genomes Project 30x 0.00265; gnomAD 0.00328; TOPMed 0.00438; ESP Exome Variant Server 0.00446.
gnomAD v4.1: 1,006 of 1,613,862 alleles (0.062%); highest among the groups gnomAD compares: African/African-American, 1.1%; 7 homozygotes.

Submission:

PreventionGenetics, part of Exact Sciences
Classification: Benign for XIRP1-related condition. Last evaluated: 2019-12-05. Review status: no assertion criteria provided. Collection method: clinical testing. Allele origin: germline.
Comment: This variant is classified as benign based on ACMG/AMP sequence variant interpretation guidelines (Richards et al. 2015 PMID: 25741868, with internal and published modifications).

NM_194293.4(XIRP1):c.162C>A (p.Leu54=)

Gene: XIRP1 (xin actin binding repeat containing 1; minus strand). Cytogenetic location: 3p22.2.
Variant type: single nucleotide variant.
Coding change: c.162C>A on transcript NM_194293.4 (MANE Select); coding-DNA position 162, C replaced by A.
Protein change: p.Leu54=; no amino-acid change (leucine 54 retained).
Molecular consequence: synonymous variant. On other transcripts: intron variant (1).
Genome position (GRCh38, 1-based): chr3:39,189,284, G>T on the plus strand (C>A on the coding strand, the complement: XIRP1 is on the minus strand). VCF-style: chr3-39189284-G-T. GRCh37 (hg19) VCF-style: chr3-39230775-G-T.
Other names: c.162C>A, p.Leu54= (NM_001198621.4); c.-168+3162C>A (NM_001351377.2).
Identifiers: ClinVar variation 3034414 (VCV003034414.2), dbSNP rs114587382, ClinGen allele CA2326803.